The following is an entry in ClinVar:

ClinVar aggregate classification (germline): Benign. Review status: criteria provided, multiple submitters, no conflicts (2 of 4 stars). 3 submissions from 3 submitters: Benign (2). 1 of the submissions does not count toward it. Last evaluated 2026-01-27.

Conditions:
TMC8-related disorder. Also called: TMC8-related condition.
Epidermodysplasia verruciformis. Identifiers: Orphanet 302, MedGen C0014522, MONDO:0009176.

Allele frequency attached by ClinVar (database versions not stated): TOPMed 0.00587; ESP Exome Variant Server 0.00607; 1000 Genomes Project 30x 0.00671; 1000 Genomes Project 0.00719; gnomAD exomes 0.00130; ExAC 0.00153; gnomAD 0.00530 and 0.00558.
gnomAD v4.1: 1,648 of 1,614,012 alleles (0.1%); highest among the groups gnomAD compares: African/African-American, 1.9%; 14 homozygotes.

Submissions (3):

Labcorp Genetics (formerly Invitae), Labcorp
Classification: Benign for Epidermodysplasia verruciformis. Last evaluated: 2026-01-27. Review status: criteria provided, single submitter. Criteria: Invitae Variant Classification Sherloc (09022015). Collection method: clinical testing. Allele origin: germline.

Breakthrough Genomics
Classification: Benign. Review status: criteria provided, single submitter. Criteria: ACMG Guidelines, 2015. Collection method: not provided. Allele origin: germline. Inheritance: Autosomal recessive inheritance. Affected: yes.

PreventionGenetics, part of Exact Sciences
Classification: Benign for TMC8-related condition. Last evaluated: 2023-12-06. Review status: no assertion criteria provided. Collection method: clinical testing. Allele origin: germline. Not counted in ClinVar's aggregate classification.
Comment: This variant is classified as benign based on ACMG/AMP sequence variant interpretation guidelines (Richards et al. 2015 PMID: 25741868, with internal and published modifications).

NM_152468.5(TMC8):c.1209G>A (p.Lys403=)

Gene: TMC8 (transmembrane channel like 8; plus strand). Cytogenetic location: 17q25.3.
Variant type: single nucleotide variant.
Coding change: c.1209G>A on transcript NM_152468.5 (MANE Select); coding-DNA position 1209, G replaced by A.
Protein change: p.Lys403=; no amino-acid change (lysine 403 retained).
Molecular consequence: synonymous variant.
Genome position (GRCh38, 1-based): chr17:78,137,316, G>A. VCF-style: chr17-78137316-G-A. GRCh37 (hg19) VCF-style: chr17-76133397-G-A.
Identifiers: ClinVar variation 526246 (VCV000526246.15), dbSNP rs76467743, ClinGen allele CA8796754.